The following is an entry in ClinVar:

NM_005198.5(CHKB):c.944A>G (p.His315Arg)

Genes: CHKB (choline kinase beta; minus strand), CHKB-CPT1B (CHKB-CPT1B readthrough (NMD candidate); minus strand). Cytogenetic location: 22q13.33.
Variant type: single nucleotide variant.
Coding change: c.944A>G on transcript NM_005198.5 (MANE Select); coding-DNA position 944, A replaced by G.
Protein change: p.His315Arg; replaces histidine 315 with arginine.
Molecular consequence: missense variant. On other transcripts: non-coding transcript variant (1).
Genome position (GRCh38, 1-based): chr22:50,579,814, T>C on the plus strand (A>G on the coding strand, the complement: CHKB is on the minus strand). VCF-style: chr22-50579814-T-C. GRCh37 (hg19) VCF-style: chr22-51018243-T-C.
Other names: short protein forms H315R.
Identifiers: ClinVar variation 342168 (VCV000342168.54), dbSNP rs199641367, ClinGen allele CA10323562.

ClinVar aggregate classification (germline): Uncertain significance. Review status: criteria provided, multiple submitters, no conflicts (2 of 4 stars). 7 submissions from 7 submitters: Uncertain significance (7). Last evaluated 2025-03-08.

Conditions:
Megaconial type congenital muscular dystrophy (MDCMC). Also called: CHKB-Related Muscle Diseases; MUSCULAR DYSTROPHY, CONGENITAL, WITH MITOCHONDRIAL STRUCTURAL ABNORMALITIES; CHKB-Related Muscular Dystrophy. Identifiers: Orphanet 280671, MedGen C1865233, MONDO:0011246, OMIM 602541.
Inborn genetic diseases. Identifiers: MedGen C0950123, MeSH D030342.

Allele frequency attached by ClinVar (database versions not stated): ExAC 0.00007; gnomAD exomes 0.00007 and 0.00008; TOPMed 0.00009; gnomAD 0.00011.

Submissions (7):

GeneDx
Classification: Uncertain significance. Last evaluated: 2025-03-08. Review status: criteria provided, single submitter. Criteria: GeneDx Variant Classification Process June 2021. Collection method: clinical testing. Allele origin: germline. Affected: yes.
Comment: In silico analysis indicates that this missense variant does not alter protein structure/function; Has not been previously published as pathogenic or benign to our knowledge

Blueprint Genetics
Classification: Uncertain significance. Last evaluated: 2024-10-15. Review status: criteria provided, single submitter. Criteria: ACMG Guidelines, 2015. Collection method: clinical testing. Allele origin: germline.

Labcorp Genetics (formerly Invitae), Labcorp
Classification: Uncertain significance for Megaconial type congenital muscular dystrophy. Last evaluated: 2024-01-16. Review status: criteria provided, single submitter. Criteria: Invitae Variant Classification Sherloc (09022015). Collection method: clinical testing. Allele origin: germline.
Comment: This sequence change replaces histidine, which is basic and polar, with arginine, which is basic and polar, at codon 315 of the CHKB protein (p.His315Arg). This variant is present in population databases (rs199641367, gnomAD 0.02%). This variant has not been reported in the literature in individuals affected with CHKB-related conditions. ClinVar contains an entry for this variant (Variation ID: 342168). Advanced modeling of protein sequence and biophysical properties (such as structural, functional, and spatial information, amino acid conservation, physicochemical variation, residue mobility, and thermodynamic stability) performed at Invitae indicates that this missense variant is not expected to disrupt CHKB protein function with a negative predictive value of 80%. In summary, the available evidence is currently insufficient to determine the role of this variant in disease. Therefore, it has been classified as a Variant of Uncertain Significance.

Ambry Genetics
Classification: Uncertain significance for Inborn genetic diseases. Last evaluated: 2022-01-26. Review status: criteria provided, single submitter. Criteria: Ambry Variant Classification Scheme 2023. Collection method: clinical testing. Allele origin: germline.

Department of Pathology and Laboratory Medicine, Sinai Health System
Classification: Uncertain significance for megaconial type congenital muscular dystrophy. Last evaluated: 2020-06-01. Review status: criteria provided, single submitter. Criteria: ACMG Guidelines, 2015. Collection method: research. Allele origin: germline.

Illumina Laboratory Services, Illumina
Classification: Uncertain significance for Megaconial type congenital muscular dystrophy. Last evaluated: 2018-01-12. Review status: criteria provided, single submitter. Criteria: ICSL Variant Classification Criteria 13 December 2019. Collection method: clinical testing. Allele origin: germline.

CeGaT Center for Human Genetics Tuebingen
Classification: Uncertain significance. Last evaluated: 2017-07-01. Review status: criteria provided, single submitter. Criteria: CeGaT Center For Human Genetics Tuebingen Variant Classification Criteria Version 2. Collection method: clinical testing. Allele origin: germline. Affected: yes. Observed: 1 variant allele.